The following is an entry in ClinVar:

NM_139242.4(MTFMT):c.323A>G (p.Tyr108Cys)

Gene: MTFMT (mitochondrial methionyl-tRNA formyltransferase; minus strand). Cytogenetic location: 15q22.31.
Variant type: single nucleotide variant.
Coding change: c.323A>G on transcript NM_139242.4 (MANE Select); coding-DNA position 323, A replaced by G.
Protein change: p.Tyr108Cys; replaces tyrosine 108 with cysteine.
Molecular consequence: missense variant.
Genome position (GRCh38, 1-based): chr15:65,026,927, T>C on the plus strand (A>G on the coding strand, the complement: MTFMT is on the minus strand). VCF-style: chr15-65026927-T-C. GRCh37 (hg19) VCF-style: chr15-65319265-T-C.
Other names: short protein forms Y108C.
Identifiers: ClinVar variation 3607677 (VCV003607677.2).
Genomic context (GRCh38, chr15:65,026,927, plus strand): 5'-CGGCCAAACGAAGCCACTACTCCAACATCATATTCTCCAGATCCCACATCCGGCCACTCA[T>C]ATACGGGAAGCTGAGACTGCACAGCATATTGCTTCACTGGCAGTCCTTTTGGTGATGGGG-3'
Protein context (NP_640335.2, residues 98-118): QYAVQSQLPV[Tyr108Cys]EWPDVGSGEY

ClinVar aggregate classification (germline): Uncertain significance (1 of 4 stars; one submission).

gnomAD v4.1: 5 of 1,614,010 alleles (0.00031%); highest among the groups gnomAD compares: Non-Finnish European, 0.00034%; no homozygotes.

Submission:

Labcorp Genetics (formerly Invitae), Labcorp
Classification: Uncertain significance. Last evaluated: 2024-10-06. Review status: criteria provided, single submitter. Criteria: Invitae Variant Classification Sherloc (09022015). Collection method: clinical testing. Allele origin: germline.
Comment: This sequence change replaces tyrosine, which is neutral and polar, with cysteine, which is neutral and slightly polar, at codon 108 of the MTFMT protein (p.Tyr108Cys). This variant is present in population databases (rs779589103, gnomAD 0.0009%). This variant has not been reported in the literature in individuals affected with MTFMT-related conditions. Invitae Evidence Modeling of protein sequence and biophysical properties (such as structural, functional, and spatial information, amino acid conservation, physicochemical variation, residue mobility, and thermodynamic stability) has been performed for this missense variant. However, the output from this modeling did not meet the statistical confidence thresholds required to predict the impact of this variant on MTFMT protein function. Algorithms developed to predict the effect of sequence changes on RNA splicing suggest that this variant may disrupt the consensus splice site. In summary, the available evidence is currently insufficient to determine the role of this variant in disease. Therefore, it has been classified as a Variant of Uncertain Significance.